The following is an entry in ClinVar:

GRCh38/hg38 20p13-11.21(chr20:87153-23635465)x3

Genes: ADAM33 (ADAM metallopeptidase domain 33; minus strand), ADISSP (adipose secreted signaling protein; minus strand), ADRA1D (adrenoceptor alpha 1D; minus strand), ANGPT4 (angiopoietin 4; minus strand), ANKEF1 (ankyrin repeat and EF-hand domain containing 1; plus strand) and 730 more. Cytogenetic location: 20p13-11.21.
Variant type: copy number gain.
Change: copy number 3 (three copies instead of two) of chr20:87,153-23,635,465 (23.55 Mb, GRCh38 coordinates, 1-based), cytogenetic band 20p13-11.21.
Identifiers: ClinVar variation 2579201 (VCV002579201.1).

ClinVar aggregate classification (germline): Pathogenic (1 of 4 stars; one submission).

Conditions:
Renal agenesis. Identifiers: Orphanet 411709, MedGen C0542519, MONDO:0018470, HP:0000104.

Submission:

Broad Center for Mendelian Genomics, Broad Institute of MIT and Harvard
Classification: Pathogenic for Renal agenesis. Last evaluated: 2023-08-24. Review status: criteria provided, single submitter. Criteria: ACMG/ClinGen CNV Guidelines, 2019. Collection method: research. Allele origin: de novo. Inheritance: Autosomal dominant inheritance. Affected: yes.
Comment: A confirmed de novo heterozygous duplication of 139 genes was identified by exome sequencing in one individual with left renal agenesis, mitral regurgitation, and hypotonia ([GRCh 38] chr20:87153_23635465x3)(PMID: 30143558). These breakpoints have been estimated by exome sequencing only and therefore may not reflect the true breakpoints. The patient phenotype is nonspecific, but is consistent with cases described in the literature and/or published databases with overlapping variants. The established haploinsufficient gene JAG1 is fully contained within observed copy number gain, however there are no established triplosensitive regions within the copy number gain. A reported proband from the DECIPHER database has a loss of function variant similar in genomic content to the variant in our study. The variant reported is assumed de novo and the reported phenotype is nonspecific (DECIPHER: 359646). In summary, this variant meets criteria to be classified as pathogenic. The ACMG/ClinGen evidence codes and points used in this curation are as follows: 1: 0 points, 2: 0 points, 3: 0.9 points, 4: 0.1 points, 5: 0.1 points Total: 1.1 points; Riggs 2020 (PMID: 31690835).

Literature cited by the submitters: PubMed 30143558.